The following is an entry in ClinVar:

ClinVar aggregate classification (germline): Uncertain significance. Review status: criteria provided, multiple submitters, no conflicts (2 of 4 stars). 2 submissions from 2 submitters: Uncertain significance (2). Last evaluated 2023-09-01.

Conditions:
Hereditary cancer-predisposing syndrome. Also called: Hereditary neoplastic syndrome; Hereditary Cancer Syndrome; Tumor predisposition; Neoplastic Syndromes, Hereditary. Identifiers: Orphanet 140162, MedGen C0027672, MeSH D009386, MONDO:0015356.

gnomAD v4.1: 2 of 1,612,884 alleles (0.00012%); highest among the groups gnomAD compares: Non-Finnish European, 0.00017%; no homozygotes.

Submissions (2):

Ambry Genetics
Classification: Uncertain significance for Hereditary cancer-predisposing syndrome. Last evaluated: 2023-09-01. Review status: criteria provided, single submitter. Criteria: Ambry Variant Classification Scheme 2023. Collection method: clinical testing. Allele origin: germline.
Comment: The p.T590I variant (also known as c.1769C>T), located in coding exon 11 of the RAD50 gene, results from a C to T substitution at nucleotide position 1769. The threonine at codon 590 is replaced by isoleucine, an amino acid with similar properties. This amino acid position is conserved. In addition, the in silico prediction for this alteration is inconclusive. Since supporting evidence is limited at this time, the clinical significance of this alteration remains unclear.

Labcorp Genetics (formerly Invitae), Labcorp
Classification: Uncertain significance for Hereditary cancer-predisposing syndrome. Last evaluated: 2021-02-18. Review status: criteria provided, single submitter. Criteria: Invitae Variant Classification Sherloc (09022015). Collection method: clinical testing. Allele origin: germline.
Comment: This sequence change replaces threonine with isoleucine at codon 590 of the RAD50 protein (p.Thr590Ile). The threonine residue is moderately conserved and there is a moderate physicochemical difference between threonine and isoleucine. In summary, the available evidence is currently insufficient to determine the role of this variant in disease. Therefore, it has been classified as a Variant of Uncertain Significance. Algorithms developed to predict the effect of missense changes on protein structure and function are either unavailable or do not agree on the potential impact of this missense change (SIFT: "Tolerated"; PolyPhen-2: "Possibly Damaging"; Align-GVGD: "Class C0"). This variant has not been reported in the literature in individuals with RAD50-related conditions. This variant is not present in population databases (ExAC no frequency).

NM_005732.4(RAD50):c.1769C>T (p.Thr590Ile)

Gene: RAD50 (RAD50 double strand break repair protein; plus strand). Cytogenetic location: 5q31.1.
Variant type: single nucleotide variant.
Coding change: c.1769C>T on transcript NM_005732.4 (MANE Select); coding-DNA position 1769, C replaced by T.
Protein change: p.Thr590Ile; replaces threonine 590 with isoleucine.
Molecular consequence: missense variant.
Genome position (GRCh38, 1-based): chr5:132,592,010, C>T. VCF-style: chr5-132592010-C-T. GRCh37 (hg19) VCF-style: chr5-131927702-C-T.
Other names: c.1769C>T (NM_005732.3); short protein forms T590I.
Identifiers: ClinVar variation 1520646 (VCV001520646.9), dbSNP rs786203895, ClinGen allele CA360946724.
Genomic context (GRCh38, chr5:132,592,010, plus strand): 5'-TTCCCAACAAAAAACAGCTTGAAGACTGGCTACATAGTAAATCAAAAGAAATTAATCAGA[C>T]CAGGGACAGACTTGCCAAATTGAAGTAAGTTGCAACATTTGGAGATGTAATAGAAATCTC-3'
Protein context (NP_005723.2, residues 580-600): LHSKSKEINQ[Thr590Ile]RDRLAKLNKE